The following is an entry in ClinVar:

ClinVar aggregate classification (germline): Uncertain significance. Review status: criteria provided, multiple submitters, no conflicts (2 of 4 stars). 2 submissions from 2 submitters: Uncertain significance (2). Last evaluated 2023-11-27.

Conditions:
Epidermolysis bullosa simplex 5B, with muscular dystrophy (EBS5B). Also called: EPIDERMOLYSIS BULLOSA SIMPLEX AND LIMB-GIRDLE MUSCULAR DYSTROPHY; Epidermolysis bullosa simplex with muscular dystrophy. Identifiers: Orphanet 257, MedGen C2931072, MONDO:0009181, OMIM 226670.
Epidermolysis bullosa simplex with nail dystrophy (EBS5D). Identifiers: MedGen C4225309, MONDO:0014661, OMIM 616487.
Epidermolysis bullosa simplex 5C, with pyloric atresia (EBS5C). Also called: PLEC-Related Epidermolysis Bullosa with Pyloric Atresia; Epidermolysis bullosa simplex with pyloric atresia; PLEC1-Related Epidermolysis Bullosa with Pyloric Atresia. Identifiers: Orphanet 158684, MedGen C2677349, MONDO:0012807, OMIM 612138.
Autosomal recessive limb-girdle muscular dystrophy type 2Q (LGMDR17). Also called: MUSCULAR DYSTROPHY, LIMB-GIRDLE, AUTOSOMAL RECESSIVE 17. Identifiers: Orphanet 254361, MedGen C3150989, MONDO:0013390, OMIM 613723.
Epidermolysis bullosa simplex, Ogna type (EBS5A). Also called: EPIDERMOLYSIS BULLOSA SIMPLEX 5A, OGNA TYPE; Pidermolysis bullosa simplex 5A, Ogna type. Identifiers: Orphanet 79401, MedGen C0432317, MONDO:0007555, OMIM 131950.

Submissions (2):

Labcorp Genetics (formerly Invitae), Labcorp
Classification: Uncertain significance for Autosomal recessive limb-girdle muscular dystrophy type 2Q; Epidermolysis bullosa simplex, Ogna type; Epidermolysis bullosa simplex with nail dystrophy; Epidermolysis bullosa simplex 5C, with pyloric atresia; Epidermolysis bullosa simplex 5B, with muscular dystrophy. Last evaluated: 2023-11-27. Review status: criteria provided, single submitter. Criteria: Invitae Variant Classification Sherloc (09022015). Collection method: clinical testing. Allele origin: germline.
Comment: This sequence change replaces isoleucine, which is neutral and non-polar, with phenylalanine, which is neutral and non-polar, at codon 933 of the PLEC protein (p.Ile933Phe). This variant is not present in population databases (gnomAD no frequency). This variant has not been reported in the literature in individuals affected with PLEC-related conditions. ClinVar contains an entry for this variant (Variation ID: 2434991). Advanced modeling of protein sequence and biophysical properties (such as structural, functional, and spatial information, amino acid conservation, physicochemical variation, residue mobility, and thermodynamic stability) has been performed at Invitae for this missense variant, however the output from this modeling did not meet the statistical confidence thresholds required to predict the impact of this variant on PLEC protein function. In summary, the available evidence is currently insufficient to determine the role of this variant in disease. Therefore, it has been classified as a Variant of Uncertain Significance.

Revvity Omics, Revvity
Classification: Uncertain significance. Last evaluated: 2019-05-29. Review status: criteria provided, single submitter. Criteria: ACMG Guidelines, 2015. Collection method: clinical testing. Allele origin: germline.

NM_201384.3(PLEC):c.2716A>T (p.Ile906Phe)

Gene: PLEC (plectin; minus strand). Cytogenetic location: 8q24.3.
Variant type: single nucleotide variant.
Coding change: c.2716A>T on transcript NM_201384.3 (MANE Select); coding-DNA position 2716, A replaced by T.
Protein change: p.Ile906Phe; replaces isoleucine 906 with phenylalanine.
Molecular consequence: missense variant.
Genome position (GRCh38, 1-based): chr8:143,929,959, T>A on the plus strand (A>T on the coding strand, the complement: PLEC is on the minus strand). VCF-style: chr8-143929959-T-A. GRCh37 (hg19) VCF-style: chr8-145004127-T-A.
Other names: c.2797A>T, p.Ile933Phe (NM_000445.5, NM_001410941.1); c.2674A>T, p.Ile892Phe (NM_201378.4); c.2650A>T, p.Ile884Phe (NM_201379.3); c.3127A>T, p.Ile1043Phe (NM_201380.4); c.2620A>T, p.Ile874Phe (NM_201381.3); c.2716A>T, p.Ile906Phe (NM_201382.4); c.2728A>T, p.Ile910Phe (NM_201383.3); short protein forms I1043F, I874F, I884F, I892F, I906F, I910F, I933F.
Identifiers: ClinVar variation 2434991 (VCV002434991.6), dbSNP rs1210721750, ClinGen allele CA372573031.